The following is an entry in ClinVar:

ClinVar aggregate classification (germline): Uncertain significance (1 of 4 stars; one submission).

Submission:

Labcorp Genetics (formerly Invitae), Labcorp
Classification: Uncertain significance. Last evaluated: 2023-10-04. Review status: criteria provided, single submitter. Criteria: Invitae Variant Classification Sherloc (09022015). Collection method: clinical testing. Allele origin: germline.
Comment: This sequence change replaces alanine, which is neutral and non-polar, with proline, which is neutral and non-polar, at codon 206 of the REST protein (p.Ala206Pro). This variant is not present in population databases (gnomAD no frequency). This variant has not been reported in the literature in individuals affected with REST-related conditions. An algorithm developed to predict the effect of missense changes on protein structure and function (PolyPhen-2) suggests that this variant is likely to be tolerated. In summary, the available evidence is currently insufficient to determine the role of this variant in disease. Therefore, it has been classified as a Variant of Uncertain Significance.

NM_005612.5(REST):c.616G>C (p.Ala206Pro)

Gene: REST (RE1 silencing transcription factor; plus strand). Cytogenetic location: 4q12.
Variant type: single nucleotide variant.
Coding change: c.616G>C on transcript NM_005612.5 (MANE Select); coding-DNA position 616, G replaced by C.
Protein change: p.Ala206Pro; replaces alanine 206 with proline.
Molecular consequence: missense variant.
Genome position (GRCh38, 1-based): chr4:56,911,254, G>C. VCF-style: chr4-56911254-G-C. GRCh37 (hg19) VCF-style: chr4-57777420-G-C.
Other names: c.616G>C, p.Ala206Pro (NM_001193508.2, NM_001363453.3); short protein forms A206P.
Identifiers: ClinVar variation 2962460 (VCV002962460.3), dbSNP rs373691787, ClinGen allele CA357004427.